The following is an entry in ClinVar:

NM_016151.4(TAOK2):c.3283A>G (p.Met1095Val)

Gene: TAOK2 (TAO kinase 2; plus strand). Cytogenetic location: 16p11.2.
Variant type: single nucleotide variant.
Coding change: c.3283A>G on transcript NM_016151.4 (MANE Select); coding-DNA position 3283, A replaced by G.
Protein change: p.Met1095Val; replaces methionine 1095 with valine.
Molecular consequence: missense variant. On other transcripts: intron variant (1).
Genome position (GRCh38, 1-based): chr16:29,987,555, A>G. VCF-style: chr16-29987555-A-G. GRCh37 (hg19) VCF-style: chr16-29998876-A-G.
Other names: c.2944A>G, p.Met982Val (NM_001252043.2); c.2232+1051A>G (NM_004783.4); short protein forms M982V, M1095V.
Identifiers: ClinVar variation 1428917 (VCV001428917.8), dbSNP rs570111696, ClinGen allele CA7998535.

ClinVar aggregate classification (germline): Uncertain significance (1 of 4 stars; one submission).

Allele frequency attached by ClinVar (database versions not stated): gnomAD 0.00001; gnomAD exomes 0.00001; ExAC 0.00002; TOPMed 0.00002; 1000 Genomes Project 0.00020; 1000 Genomes Project 30x 0.00031.

Submission:

Labcorp Genetics (formerly Invitae), Labcorp
Classification: Uncertain significance. Last evaluated: 2022-01-11. Review status: criteria provided, single submitter. Criteria: Invitae Variant Classification Sherloc (09022015). Collection method: clinical testing. Allele origin: germline.
Comment: This variant is present in population databases (rs570111696, gnomAD 0.004%). This variant has not been reported in the literature in individuals affected with TAOK2-related conditions. Algorithms developed to predict the effect of missense changes on protein structure and function output the following: SIFT: "Tolerated"; PolyPhen-2: "Benign"; Align-GVGD: "Class C0". The valine amino acid residue is found in multiple mammalian species, which suggests that this missense change does not adversely affect protein function. In summary, the available evidence is currently insufficient to determine the role of this variant in disease. Therefore, it has been classified as a Variant of Uncertain Significance. This sequence change replaces methionine, which is neutral and non-polar, with valine, which is neutral and non-polar, at codon 1095 of the TAOK2 protein (p.Met1095Val).